The following is an entry in ClinVar:

NM_006393.3(NEBL):c.370-228A>G

Gene: NEBL (nebulette; minus strand). Cytogenetic location: 10p12.31.
Variant type: single nucleotide variant.
Coding change: c.370-228A>G on transcript NM_006393.3 (MANE Select); 228 bases into the intron before coding-DNA position 370, A replaced by G.
Molecular consequence: intron variant.
Genome position (GRCh38, 1-based): chr10:20,881,132, T>C on the plus strand (A>G on the coding strand, the complement: NEBL is on the minus strand). VCF-style: chr10-20881132-T-C. GRCh37 (hg19) VCF-style: chr10-21170061-T-C.
Other names: c.250-68192A>G (NM_001377326.1, NM_001377327.1, NM_001377328.1); c.358-68192A>G (NM_213569.2, NM_001173484.2, NM_001377322.1); c.301-68192A>G (NM_001377324.1); c.292-68192A>G (NM_001377325.1); c.310-68192A>G (NM_001377323.1).
Identifiers: ClinVar variation 678621 (VCV000678621.1), dbSNP rs71578981, ClinGen allele CA204215562.

ClinVar aggregate classification (germline): Likely benign (1 of 4 stars; one submission).

Allele frequency attached by ClinVar (database versions not stated): 1000 Genomes Project 0.00459; gnomAD 0.00504 and 0.00540; TOPMed 0.00546; 1000 Genomes Project 30x 0.00562.
gnomAD v4.1: 756 of 152,306 alleles (0.5%); highest among the groups gnomAD compares: African/African-American, 1.6%; 9 homozygotes.

Submission:

GeneDx
Classification: Likely benign. Last evaluated: 2018-06-16. Review status: criteria provided, single submitter. Criteria: GeneDx Variant Classification (06012015). Collection method: clinical testing. Allele origin: germline. Affected: yes.
Comment: This variant is considered likely benign or benign based on one or more of the following criteria: it is a conservative change, it occurs at a poorly conserved position in the protein, it is predicted to be benign by multiple in silico algorithms, and/or has population frequency not consistent with disease.